The following is an entry in ClinVar:

NM_005633.4(SOS1):c.214-18A>T

Gene: SOS1 (SOS Ras/Rac guanine nucleotide exchange factor 1; minus strand). Cytogenetic location: 2p22.1.
Variant type: single nucleotide variant.
Coding change: c.214-18A>T on transcript NM_005633.4 (MANE Select); 18 bases into the intron before coding-DNA position 214, A replaced by T.
Molecular consequence: intron variant.
Genome position (GRCh38, 1-based): chr2:39,058,822, T>A on the plus strand (A>T on the coding strand, the complement: SOS1 is on the minus strand). VCF-style: chr2-39058822-T-A. GRCh37 (hg19) VCF-style: chr2-39285963-T-A.
Other names: c.193-18A>T (NM_001382394.1); c.214-18A>T (NM_001382395.1).
Identifiers: ClinVar variation 3063622 (VCV003063622.5), dbSNP rs761467532, ClinGen allele CA1624833.
Genomic context (GRCh38, chr2:39,058,822, plus strand): 5'-CCCATTTATCAATTGGATGAGGGAAACTTTTTTGAACACGTTCCTTGGAAAATAGGAAAA[T>A]AACAACTAAGCAAAAAATATATTAAATAGTGCTCTTCACTTAAAATTTACTTTTAAAATC-3'

ClinVar aggregate classification (germline): Likely benign. Review status: criteria provided, multiple submitters, no conflicts (2 of 4 stars). 4 submissions from 4 submitters: Likely benign (4). Last evaluated 2024-05-07.

Conditions:
RASopathy. Also called: rasopathies; Noonan spectrum disorder. Identifiers: Orphanet 536391, MedGen C5555857, MONDO:0021060.

Allele frequency attached by ClinVar (database versions not stated): ExAC 0.00001.
gnomAD v4.1: 2 of 1,604,850 alleles (0.00012%); highest among the groups gnomAD compares: Admixed American, 0.0034%; no homozygotes.

Submissions (4):

Labcorp Genetics (formerly Invitae), Labcorp
Classification: Likely benign for RASopathy. Last evaluated: 2024-05-07. Review status: criteria provided, single submitter. Criteria: Invitae Variant Classification Sherloc (09022015). Collection method: clinical testing. Allele origin: germline.

Women's Health and Genetics/Laboratory Corporation of America, LabCorp
Classification: Likely benign. Last evaluated: 2024-01-22. Review status: criteria provided, single submitter. Criteria: LabCorp Variant Classification Summary - May 2015. Collection method: clinical testing. Allele origin: germline.
Comment: Variant summary: SOS1 c.214-18A>T alters a non-conserved nucleotide located at a position not widely known to affect splicing. Consensus agreement among computation tools predict no significant impact on normal splicing. However, these predictions have yet to be confirmed by functional studies. The variant was absent in 247826 control chromosomes. The available data on variant occurrences in the general population are insufficient to allow any conclusion about variant significance. To our knowledge, no occurrence of c.214-18A>T in individuals affected with Noonan Syndrome and no experimental evidence demonstrating its impact on protein function have been reported. No submitters have cited clinical-significance assessments for this variant to ClinVar. Based on the evidence outlined above, the variant was classified as likely benign.

Blueprint Genetics
Classification: Likely benign. Last evaluated: 2023-06-26. Review status: criteria provided, single submitter. Criteria: ACMG Guidelines, 2015. Collection method: clinical testing. Allele origin: germline.

Breakthrough Genomics
Classification: Likely benign. Review status: criteria provided, single submitter. Criteria: ACMG Guidelines, 2015. Collection method: not provided. Allele origin: germline. Inheritance: Autosomal dominant inheritance. Affected: yes.